The following is an entry in ClinVar:

NM_000057.4(BLM):c.1882+216A>G

Gene: BLM (BLM RecQ like helicase; plus strand). Cytogenetic location: 15q26.1.
Variant type: single nucleotide variant.
Coding change: c.1882+216A>G on transcript NM_000057.4 (MANE Select); 216 bases into the intron after coding-DNA position 1882, A replaced by G.
Molecular consequence: intron variant.
Genome position (GRCh38, 1-based): chr15:90,761,471, A>G. VCF-style: chr15-90761471-A-G. GRCh37 (hg19) VCF-style: chr15-91304701-A-G.
Other names: c.1882+216A>G (NM_001287246.2, NM_001287247.2); c.757+216A>G (NM_001287248.2).
Identifiers: ClinVar variation 1704071 (VCV001704071.2), dbSNP rs188787810, ClinGen allele CA274738604.

ClinVar aggregate classification (germline): Likely benign (1 of 4 stars; one submission).

Allele frequency attached by ClinVar (database versions not stated): TOPMed 0.00009; 1000 Genomes Project 30x 0.00094; 1000 Genomes Project 0.00100; gnomAD 0.00205.
gnomAD v4.1: 310 of 152,280 alleles (0.2%); highest among the groups gnomAD compares: Non-Finnish European, 0.044%; 5 homozygotes.

Submission:

GeneDx
Classification: Likely benign. Last evaluated: 2021-11-14. Review status: criteria provided, single submitter. Criteria: GeneDx Variant Classification Process June 2021. Collection method: clinical testing. Allele origin: germline. Affected: yes.
Comment: See Variant Classification Assertion Criteria.